The following is an entry in ClinVar:

ClinVar aggregate classification (germline): Uncertain significance. Review status: criteria provided, multiple submitters, no conflicts (2 of 4 stars). 2 submissions from 2 submitters: Uncertain significance (2). Last evaluated 2023-08-11.

Conditions:
Cardiovascular phenotype. Identifiers: MedGen CN230736.

Allele frequency attached by ClinVar (database versions not stated): TOPMed 0.00002; 1000 Genomes Project 30x 0.00016.

Submissions (2):

Ambry Genetics
Classification: Uncertain significance for Cardiovascular phenotype. Last evaluated: 2023-08-11. Review status: criteria provided, single submitter. Criteria: Ambry Variant Classification Scheme 2023. Collection method: clinical testing. Allele origin: germline.
Comment: The p.A15V variant (also known as c.44C>T), located in coding exon 1 of the KCND3 gene, results from a C to T substitution at nucleotide position 44. The alanine at codon 15 is replaced by valine, an amino acid with similar properties. This amino acid position is highly conserved in available vertebrate species. In addition, this alteration is predicted to be deleterious by in silico analysis. Since supporting evidence is limited at this time, the clinical significance of this alteration remains unclear.

Athena Diagnostics
Classification: Uncertain significance. Last evaluated: 2017-11-13. Review status: criteria provided, single submitter. Criteria: Athena Diagnostics Criteria. Collection method: clinical testing. Allele origin: germline.

NM_001378969.1(KCND3):c.44C>T (p.Ala15Val)

Gene: KCND3 (potassium voltage-gated channel subfamily D member 3; minus strand). Cytogenetic location: 1p13.2.
Variant type: single nucleotide variant.
Coding change: c.44C>T on transcript NM_001378969.1 (MANE Select); coding-DNA position 44, C replaced by T.
Protein change: p.Ala15Val; replaces alanine 15 with valine.
Molecular consequence: missense variant.
Genome position (GRCh38, 1-based): chr1:111,982,683, G>A on the plus strand (C>T on the coding strand, the complement: KCND3 is on the minus strand). VCF-style: chr1-111982683-G-A. GRCh37 (hg19) VCF-style: chr1-112525305-G-A.
Other names: c.44C>T, p.Ala15Val (NM_001378970.1, NM_004980.5, NM_172198.3); short protein forms A15V.
Identifiers: ClinVar variation 586067 (VCV000586067.4), dbSNP rs866544148, ClinGen allele CA29326315.